The following is an entry in ClinVar:

NM_005514.8(HLA-B):c.368A>C (p.Tyr123Ser)

Gene: HLA-B (major histocompatibility complex, class I, B; minus strand). Cytogenetic location: 6p21.33.
Variant type: single nucleotide variant.
Coding change: c.368A>C on transcript NM_005514.8 (MANE Select); coding-DNA position 368, A replaced by C.
Protein change: p.Tyr123Ser; replaces tyrosine 123 with serine.
Molecular consequence: missense variant.
Genome position (GRCh38, 1-based): chr6:31,356,418, T>G on the plus strand (A>C on the coding strand, the complement: HLA-B is on the minus strand). VCF-style: chr6-31356418-T-G. GRCh37 (hg19) VCF-style: chr6-31324195-T-G.
Other names: short protein forms Y123S.
Identifiers: ClinVar variation 3025032 (VCV003025032.22), dbSNP rs151341218, ClinGen allele CA3711618.

ClinVar aggregate classification (germline): Likely benign (1 of 4 stars; one submission).

Allele frequency attached by ClinVar (database versions not stated): 1000 Genomes Project 30x 0.00297.
gnomAD v4.1: 888 of 925,790 alleles (0.096%); highest among the groups gnomAD compares: South Asian, 0.42%; 2 homozygotes.

Submission:

CeGaT Center for Human Genetics Tuebingen
Classification: Likely benign. Last evaluated: 2024-06-01. Review status: criteria provided, single submitter. Criteria: CeGaT Center For Human Genetics Tuebingen Variant Classification Criteria Version 2. Collection method: clinical testing. Allele origin: germline. Affected: yes. Observed: 3 variant alleles.
Comment: HLA-B: BP4, BS2